The following is an entry in ClinVar:

NM_000368.5(TSC1):c.2413A>C (p.Asn805His)

Gene: TSC1 (TSC complex subunit 1; minus strand). Cytogenetic location: 9q34.13.
Variant type: single nucleotide variant.
Coding change: c.2413A>C on transcript NM_000368.5 (MANE Select); coding-DNA position 2413, A replaced by C.
Protein change: p.Asn805His; replaces asparagine 805 with histidine.
Molecular consequence: missense variant. On other transcripts: non-coding transcript variant (5).
Genome position (GRCh38, 1-based): chr9:132,901,678, T>G on the plus strand (A>C on the coding strand, the complement: TSC1 is on the minus strand). VCF-style: chr9-132901678-T-G. GRCh37 (hg19) VCF-style: chr9-135777065-T-G.
Other names: c.2398A>C, p.Asn800His (NM_001406602.1, NM_001406601.1); c.2395A>C, p.Asn799His (NM_001406603.1, NM_001406604.1); c.2413A>C, p.Asn805His (NM_001406605.1, NM_001406606.1, NM_001406607.1 and 5 more transcripts); c.2410A>C, p.Asn804His (NM_001406608.1, NM_001406609.1, NM_001162426.2 and 4 more transcripts); c.2260A>C, p.Asn754His (NM_001406610.1, NM_001162427.2); c.2257A>C, p.Asn753His (NM_001406611.1, NM_001406612.1, NM_001406613.1); c.1360A>C, p.Asn454His (NM_001406630.1, NM_001406629.1); c.1462A>C, p.Asn488His (NM_001406626.1); and 3 more; short protein forms N454H, N753H, N487H, N804H, N488H, N754H, N799H, N800H.
Identifiers: ClinVar variation 4709636 (VCV004709636.1).

ClinVar aggregate classification (germline): Uncertain significance (1 of 4 stars; one submission).

Conditions:
Tuberous sclerosis 1 (TSC1). Identifiers: Orphanet 805, MedGen C1854465, MONDO:0008612, OMIM 191100.

Submission:

Labcorp Genetics (formerly Invitae), Labcorp
Classification: Uncertain significance for Tuberous sclerosis 1. Last evaluated: 2025-07-25. Review status: criteria provided, single submitter. Criteria: Invitae Variant Classification Sherloc (09022015). Collection method: clinical testing. Allele origin: germline.
Comment: This sequence change replaces asparagine, which is neutral and polar, with histidine, which is basic and polar, at codon 805 of the TSC1 protein (p.Asn805His). This variant is not present in population databases (gnomAD no frequency). This variant has not been reported in the literature in individuals affected with TSC1-related conditions. Invitae Evidence Modeling of protein sequence and biophysical properties (such as structural, functional, and spatial information, amino acid conservation, physicochemical variation, residue mobility, and thermodynamic stability) indicates that this missense variant is not expected to disrupt TSC1 protein function with a negative predictive value of 95%. In summary, the available evidence is currently insufficient to determine the role of this variant in disease. Therefore, it has been classified as a Variant of Uncertain Significance.